The following is an entry in ClinVar:

ClinVar aggregate classification (germline): Pathogenic (1 of 4 stars; one submission).

Conditions:
Baller-Gerold syndrome (BGS). Also called: CRANIOSYNOSTOSIS WITH RADIAL DEFECTS. Identifiers: Orphanet 1225, MedGen C0265308, MONDO:0009039, OMIM 218600.

Allele frequency attached by ClinVar (database versions not stated): TOPMed below 0.00001.
gnomAD v4.1: 2 of 1,576,158 alleles (0.00013%); highest among the groups gnomAD compares: Non-Finnish European, 0.000086%; no homozygotes.

Submission:

Labcorp Genetics (formerly Invitae), Labcorp
Classification: Pathogenic for Baller-Gerold syndrome. Last evaluated: 2023-03-13. Review status: criteria provided, single submitter. Criteria: Invitae Variant Classification Sherloc (09022015). Collection method: clinical testing. Allele origin: germline.
Comment: This variant has not been reported in the literature in individuals affected with RECQL4-related conditions. This variant is not present in population databases (gnomAD no frequency). This sequence change creates a premature translational stop signal (p.Gln847*) in the RECQL4 gene. It is expected to result in an absent or disrupted protein product. Loss-of-function variants in RECQL4 are known to be pathogenic (PMID: 12734318, 12952869). ClinVar contains an entry for this variant (Variation ID: 843922). For these reasons, this variant has been classified as Pathogenic.

Literature cited by the submitters: PubMed 12734318; PubMed 12952869.

NM_004260.4(RECQL4):c.2539C>T (p.Gln847Ter)

Gene: RECQL4 (RecQ like helicase 4; minus strand). Cytogenetic location: 8q24.3.
Variant type: single nucleotide variant.
Coding change: c.2539C>T on transcript NM_004260.4 (MANE Select); coding-DNA position 2539, C replaced by T.
Protein change: p.Gln847Ter; replaces glutamine 847 with a stop codon.
Molecular consequence: nonsense.
Genome position (GRCh38, 1-based): chr8:144,513,063, G>A on the plus strand (C>T on the coding strand, the complement: RECQL4 is on the minus strand). VCF-style: chr8-144513063-G-A. GRCh37 (hg19) VCF-style: chr8-145738446-G-A.
Other names: short protein forms Q847*.
Identifiers: ClinVar variation 843922 (VCV000843922.6), dbSNP rs1827556397, ClinGen allele CA372677102.